The following is an entry in ClinVar:

NM_015978.3(TNNI3K):c.2246T>A (p.Leu749Gln)

Genes: FPGT-TNNI3K (FPGT-TNNI3K readthrough; plus strand), LRRC53 (leucine rich repeat containing 53; minus strand), TNNI3K (TNNI3 interacting kinase; plus strand). Cytogenetic location: 1p31.1.
Variant type: single nucleotide variant.
Coding change: c.2246T>A on transcript NM_015978.3 (MANE Select); coding-DNA position 2246, T replaced by A.
Protein change: p.Leu749Gln; replaces leucine 749 with glutamine.
Molecular consequence: missense variant. On other transcripts: intron variant (2).
Genome position (GRCh38, 1-based): chr1:74,492,161, T>A. VCF-style: chr1-74492161-T-A. GRCh37 (hg19) VCF-style: chr1-74957845-T-A.
Other names: c.2549T>A, p.Leu850Gln (NM_001112808.3); c.-8-11193A>T (NM_001364666.2); c.-26-8786A>T (NM_001382280.1); short protein forms L850Q, L749Q.
Identifiers: ClinVar variation 4719039 (VCV004719039.1).

ClinVar aggregate classification (germline): Uncertain significance (1 of 4 stars; one submission).

Submission:

Labcorp Genetics (formerly Invitae), Labcorp
Classification: Uncertain significance. Last evaluated: 2025-05-06. Review status: criteria provided, single submitter. Criteria: Invitae Variant Classification Sherloc (09022015). Collection method: clinical testing. Allele origin: germline.
Comment: This sequence change replaces leucine, which is neutral and non-polar, with glutamine, which is neutral and polar, at codon 749 of the TNNI3K protein (p.Leu749Gln). This variant is not present in population databases (gnomAD no frequency). This variant has not been reported in the literature in individuals affected with TNNI3K-related conditions. An algorithm developed to predict the effect of missense changes on protein structure and function (PolyPhen-2) suggests that this variant is likely to be disruptive. Algorithms developed to predict the effect of sequence changes on RNA splicing suggest that this variant may disrupt the consensus splice site. In summary, the available evidence is currently insufficient to determine the role of this variant in disease. Therefore, it has been classified as a Variant of Uncertain Significance.